The following is an entry in ClinVar:

NM_000254.3(MTR):c.1330-5C>A

Gene: MTR (5-methyltetrahydrofolate-homocysteine methyltransferase; plus strand). Cytogenetic location: 1q43.
Variant type: single nucleotide variant.
Coding change: c.1330-5C>A on transcript NM_000254.3 (MANE Select); 5 bases into the intron before coding-DNA position 1330, C replaced by A.
Molecular consequence: intron variant.
Genome position (GRCh38, 1-based): chr1:236,838,409, C>A. VCF-style: chr1-236838409-C-A. GRCh37 (hg19) VCF-style: chr1-237001709-C-A.
Other names: c.1330-5C>A (NM_001291939.1, NM_000254.2); c.109-5C>A (NM_001291940.2).
Identifiers: ClinVar variation 2138805 (VCV002138805.6), dbSNP rs372302445, ClinGen allele CA1474062.

ClinVar aggregate classification (germline): Likely benign. Review status: criteria provided, single submitter (1 of 4 stars). 2 submissions from 2 submitters: Likely benign (1). 1 of the submissions does not count toward it. Last evaluated 2024-01-27.

Conditions:
Methylcobalamin deficiency type cblG (HMAG). Also called: Functional methionine synthase deficiency type cblG; HOMOCYSTINURIA-MEGALOBLASTIC ANEMIA, cblG TYPE; HOMOCYSTINURIA-MEGALOBLASTIC ANEMIA DUE TO DEFECT IN COBALAMIN METABOLISM, cblG COMPLEMENTATION TYPE; HOMOCYSTINURIA-MEGALOBLASTIC ANEMIA, cblG COMPLEMENTATION TYPE. Identifiers: Orphanet 2170, Orphanet 622, MedGen C1855128, MONDO:0009609, OMIM 250940.
MTR-related disorder. Also called: MTR-related condition.

Allele frequency attached by ClinVar (database versions not stated): ExAC 0.00001; ESP Exome Variant Server 0.00008.
gnomAD v4.1: 81 of 1,613,956 alleles (0.005%); highest among the groups gnomAD compares: Non-Finnish European, 0.0066%; no homozygotes.

Submissions (2):

Labcorp Genetics (formerly Invitae), Labcorp
Classification: Likely benign for Methylcobalamin deficiency type cblG. Last evaluated: 2024-01-27. Review status: criteria provided, single submitter. Criteria: Invitae Variant Classification Sherloc (09022015). Collection method: clinical testing. Allele origin: germline.

PreventionGenetics, part of Exact Sciences
Classification: Likely benign for MTR-related condition. Last evaluated: 2019-04-07. Review status: no assertion criteria provided. Collection method: clinical testing. Allele origin: germline. Not counted in ClinVar's aggregate classification.
Comment: This variant is classified as likely benign based on ACMG/AMP sequence variant interpretation guidelines (Richards et al. 2015 PMID: 25741868, with internal and published modifications).